The following is an entry in ClinVar:

NM_001377458.1(CLCC1):c.1057G>A (p.Ala353Thr)

Gene: CLCC1 (chloride channel CLIC like 1; minus strand). Cytogenetic location: 1p13.3.
Variant type: single nucleotide variant.
Coding change: c.1057G>A on transcript NM_001377458.1 (MANE Select); coding-DNA position 1057, G replaced by A.
Protein change: p.Ala353Thr; replaces alanine 353 with threonine.
Molecular consequence: missense variant. On other transcripts: non-coding transcript variant (1).
Genome position (GRCh38, 1-based): chr1:108,937,403, C>T on the plus strand (G>A on the coding strand, the complement: CLCC1 is on the minus strand). VCF-style: chr1-108937403-C-T. GRCh37 (hg19) VCF-style: chr1-109480025-C-T.
Other names: c.1057G>A, p.Ala353Thr (NM_001048210.3, NM_001377459.1, NM_001377460.1 and 8 more transcripts); c.694G>A, p.Ala232Thr (NM_001278202.2); c.502G>A, p.Ala168Thr (NM_001278203.1); c.955G>A, p.Ala319Thr (NM_001377469.1); c.766G>A, p.Ala256Thr (NM_001377470.1); c.907G>A, p.Ala303Thr (NM_015127.5); short protein forms A168T, A256T, A353T, A232T, A319T, A303T.
Identifiers: ClinVar variation 1445753 (VCV001445753.4), dbSNP rs151194336, ClinGen allele CA983403.

ClinVar aggregate classification (germline): Uncertain significance (1 of 4 stars; one submission).

Allele frequency attached by ClinVar (database versions not stated): TOPMed below 0.00001; gnomAD exomes 0.00001; ExAC 0.00002; gnomAD 0.00002; ESP Exome Variant Server 0.00008.
gnomAD v4.1: 23 of 1,601,836 alleles (0.0014%); highest among the groups gnomAD compares: Admixed American, 0.0017%; no homozygotes.

Submission:

Labcorp Genetics (formerly Invitae), Labcorp
Classification: Uncertain significance. Last evaluated: 2022-08-22. Review status: criteria provided, single submitter. Criteria: Invitae Variant Classification Sherloc (09022015). Collection method: clinical testing. Allele origin: germline.
Comment: This sequence change replaces alanine, which is neutral and non-polar, with threonine, which is neutral and polar, at codon 353 of the CLCC1 protein (p.Ala353Thr). In summary, the available evidence is currently insufficient to determine the role of this variant in disease. Therefore, it has been classified as a Variant of Uncertain Significance. Algorithms developed to predict the effect of missense changes on protein structure and function output the following: SIFT: "Deleterious"; PolyPhen-2: "Benign"; Align-GVGD: "Class C0". The threonine amino acid residue is found in multiple mammalian species, which suggests that this missense change does not adversely affect protein function. ClinVar contains an entry for this variant (Variation ID: 1445753). This variant has not been reported in the literature in individuals affected with CLCC1-related conditions. This variant is present in population databases (rs151194336, gnomAD 0.003%).